The following is an entry in ClinVar:

ClinVar aggregate classification (germline): Uncertain significance (1 of 4 stars; one submission).

gnomAD v4.1: 1 of 1,207,750 alleles (0.000083%); highest among the groups gnomAD compares: South Asian, 0.0018%; no homozygotes.

Submission:

GeneDx
Classification: Uncertain significance. Last evaluated: 2025-03-11. Review status: criteria provided, single submitter. Criteria: GeneDx Variant Classification Process June 2021. Collection method: clinical testing. Allele origin: germline. Affected: yes.
Comment: Not observed at significant frequency in large population cohorts (gnomAD); In silico analysis indicates that this missense variant does not alter protein structure/function; Has not been previously published as pathogenic or benign to our knowledge

NM_000489.6(ATRX):c.3772G>A (p.Val1258Met)

Gene: ATRX (ATRX chromatin remodeler; minus strand). Cytogenetic location: Xq21.1.
Variant type: single nucleotide variant.
Coding change: c.3772G>A on transcript NM_000489.6 (MANE Select); coding-DNA position 3772, G replaced by A.
Protein change: p.Val1258Met; replaces valine 1258 with methionine.
Molecular consequence: missense variant.
Genome position (GRCh38, 1-based): chrX:77,676,263, C>T on the plus strand (G>A on the coding strand, the complement: ATRX is on the minus strand). VCF-style: chrX-77676263-C-T. GRCh37 (hg19) VCF-style: chrX-76931758-C-T.
Other names: c.3658G>A, p.Val1220Met (NM_138270.5); short protein forms V1220M, V1258M.
Identifiers: ClinVar variation 4083113 (VCV004083113.1).